The following is an entry in ClinVar:

ClinVar aggregate classification (germline): Likely pathogenic (1 of 4 stars; one submission).

gnomAD v4.1: 1 of 1,609,842 alleles (0.000062%); highest among the groups gnomAD compares: South Asian, 0.0011%; no homozygotes.

Submission:

Labcorp Genetics (formerly Invitae), Labcorp
Classification: Likely pathogenic. Last evaluated: 2024-06-22. Review status: criteria provided, single submitter. Criteria: Invitae Variant Classification Sherloc (09022015). Collection method: clinical testing. Allele origin: germline.
Comment: This sequence change affects a donor splice site in intron 25 of the FLNB gene. It is expected to disrupt RNA splicing. Variants that disrupt the donor or acceptor splice site typically lead to a loss of protein function (PMID: 16199547), and loss-of-function variants in FLNB are known to be pathogenic (PMID: 14991055). This variant is not present in population databases (gnomAD no frequency). This variant has not been reported in the literature in individuals affected with FLNB-related conditions. Algorithms developed to predict the effect of sequence changes on RNA splicing suggest that this variant may disrupt the consensus splice site. In summary, the currently available evidence indicates that the variant is pathogenic, but additional data are needed to prove that conclusively. Therefore, this variant has been classified as Likely Pathogenic.

Literature cited by the submitters: PubMed 16199547; PubMed 14991055.

NM_001457.4(FLNB):c.4390+1G>A

Gene: FLNB (filamin B; plus strand). Cytogenetic location: 3p14.3.
Variant type: single nucleotide variant.
Coding change: c.4390+1G>A on transcript NM_001457.4 (MANE Select); the canonical splice donor site of the intron after coding-DNA position 4390, G replaced by A.
Molecular consequence: splice donor variant.
Genome position (GRCh38, 1-based): chr3:58,130,909, G>A. VCF-style: chr3-58130909-G-A. GRCh37 (hg19) VCF-style: chr3-58116636-G-A.
Other names: c.4390+1G>A (NM_001164317.2, NM_001164318.2, NM_001164319.2).
Identifiers: ClinVar variation 3675486 (VCV003675486.2).
Genomic context (GRCh38, chr3:58,130,909, plus strand): 5'-CGGTGGACAGCAGCAAGGCTGGCCTGGCTCCGCTGGAAGTGAGGGTTCTGGGCCCACGAG[G>A]TAAGTGTGCACCCTGCCTTCCTGCAGACATTCATCTGCCCCAGGCAGGGGCAGCTGTAAC-3'